The following is an entry in ClinVar:

NM_030665.4(RAI1):c.1055G>A (p.Arg352His)

Gene: RAI1 (retinoic acid induced 1; plus strand). Cytogenetic location: 17p11.2.
Variant type: single nucleotide variant.
Coding change: c.1055G>A on transcript NM_030665.4 (MANE Select); coding-DNA position 1055, G replaced by A.
Protein change: p.Arg352His; replaces arginine 352 with histidine.
Molecular consequence: missense variant.
Genome position (GRCh38, 1-based): chr17:17,794,003, G>A. VCF-style: chr17-17794003-G-A. GRCh37 (hg19) VCF-style: chr17-17697317-G-A.
Other names: c.1055G>A (NM_030665.3); short protein forms R352H.
Identifiers: ClinVar variation 1959984 (VCV001959984.7), dbSNP rs768478502, ClinGen allele CA8418260.

ClinVar aggregate classification (germline): Uncertain significance. Review status: criteria provided, multiple submitters, no conflicts (2 of 4 stars). 3 submissions from 3 submitters: Uncertain significance (3). Last evaluated 2026-07-01.

Conditions:
RAI1-related disorder. Also called: RAI1-related condition.

Allele frequency attached by ClinVar (database versions not stated): gnomAD 0.00001; gnomAD exomes 0.00001; ExAC 0.00002; TOPMed 0.00003.
gnomAD v4.1: 9 of 1,613,788 alleles (0.00056%); highest among the groups gnomAD compares: Admixed American, 0.0033%; no homozygotes.

Submissions (3):

PreventionGenetics, part of Exact Sciences
Classification: Uncertain significance for RAI1-related condition. Last evaluated: 2026-07-01. Review status: criteria provided, single submitter. Criteria: ACMG Guidelines, 2015. Collection method: clinical testing. Allele origin: germline.
Comment: The RAI1 c.1055G>A variant is predicted to result in the amino acid substitution p.Arg352His. To our knowledge, this variant has not been reported in the literature. This variant is reported in 0.0040% of alleles in individuals of European (Finnish) descent in gnomAD. At this time, the clinical significance of this variant is uncertain due to the absence of conclusive functional and genetic evidence.

GeneDx
Classification: Uncertain significance. Last evaluated: 2024-08-27. Review status: criteria provided, single submitter. Criteria: GeneDx Variant Classification Process June 2021. Collection method: clinical testing. Allele origin: germline. Affected: yes.
Comment: In silico analysis supports that this missense variant has a deleterious effect on protein structure/function; Has not been previously published as pathogenic or benign to our knowledge

Labcorp Genetics (formerly Invitae), Labcorp
Classification: Uncertain significance. Last evaluated: 2021-12-24. Review status: criteria provided, single submitter. Criteria: Invitae Variant Classification Sherloc (09022015). Collection method: clinical testing. Allele origin: germline.
Comment: This sequence change replaces arginine, which is basic and polar, with histidine, which is basic and polar, at codon 352 of the RAI1 protein (p.Arg352His). This variant is present in population databases (rs768478502, gnomAD 0.004%). This variant has not been reported in the literature in individuals affected with RAI1-related conditions. Algorithms developed to predict the effect of missense changes on protein structure and function (SIFT, PolyPhen-2, Align-GVGD) all suggest that this variant is likely to be disruptive. In summary, the available evidence is currently insufficient to determine the role of this variant in disease. Therefore, it has been classified as a Variant of Uncertain Significance.